The following is an entry in ClinVar:

ClinVar aggregate classification (germline): Uncertain significance. Review status: criteria provided, multiple submitters, no conflicts (2 of 4 stars). 4 submissions from 4 submitters: Uncertain significance (4). Last evaluated 2026-06-23.

Conditions:
Cardiovascular phenotype. Identifiers: MedGen CN230736.
Hereditary cancer-predisposing syndrome. Also called: Neoplastic Syndromes, Hereditary; Tumor predisposition; Hereditary Cancer Syndrome; Hereditary neoplastic syndrome. Identifiers: Orphanet 140162, MedGen C0027672, MeSH D009386, MONDO:0015356.
NF1-related disorder. Also called: NF1-related condition. Identifiers: MedGen CN379171.
Neurofibromatosis, type 1 (NF1). Also called: Neurofibromatosis, type I; VON RECKLINGHAUSEN DISEASE; Peripheral type neurofibromatosis; NEUROFIBROMATOSIS, TYPE I, SOMATIC. Identifiers: Orphanet 636, MedGen C0027831, MONDO:0018975, OMIM 162200. Disease mechanism: loss of function.

gnomAD v4.1: 2 of 1,613,930 alleles (0.00012%); highest among the groups gnomAD compares: Non-Finnish European, 0.00017%; no homozygotes.

Submissions (4):

PreventionGenetics, part of Exact Sciences
Classification: Uncertain significance for NF1-related condition. Last evaluated: 2026-06-23. Review status: criteria provided, single submitter. Criteria: ACMG Guidelines, 2015. Collection method: clinical testing. Allele origin: germline.
Comment: The NF1 c.4444A>G variant is predicted to result in the amino acid substitution p.Ile1482Val. This variant has been reported in an individual with neurofibromatosis type 1 (Table S1, reported as NM_000267:c.4381A>G (p.Ile1461Val), Bianchessi et al. 2015. PubMed ID: 26740943). To our knowledge, this variant has not been reported in a large population database (gnomAD), indicating this variant is rare. it is interpreted as uncertain significance in ClinVar (Variation ID: 404580). At this time, the clinical significance of this variant is uncertain due to the absence of conclusive functional and genetic evidence.

Labcorp Genetics (formerly Invitae), Labcorp
Classification: Uncertain significance for Neurofibromatosis, type 1. Last evaluated: 2024-06-21. Review status: criteria provided, single submitter. Criteria: Invitae Variant Classification Sherloc (09022015). Collection method: clinical testing. Allele origin: germline.
Comment: This sequence change replaces isoleucine, which is neutral and non-polar, with valine, which is neutral and non-polar, at codon 1461 of the NF1 protein (p.Ile1461Val). This variant is not present in population databases (gnomAD no frequency). This missense change has been observed in individual(s) with neurofibromatosis type 1 (PMID: 26740943). ClinVar contains an entry for this variant (Variation ID: 404580). Advanced modeling of protein sequence and biophysical properties (such as structural, functional, and spatial information, amino acid conservation, physicochemical variation, residue mobility, and thermodynamic stability) performed at Invitae indicates that this missense variant is expected to disrupt NF1 protein function with a positive predictive value of 95%. In summary, the available evidence is currently insufficient to determine the role of this variant in disease. Therefore, it has been classified as a Variant of Uncertain Significance.

Ambry Genetics
Classification: Uncertain significance for Cardiovascular phenotype; Hereditary cancer-predisposing syndrome. Last evaluated: 2022-05-30. Review status: criteria provided, single submitter. Criteria: Ambry Variant Classification Scheme 2023. Collection method: clinical testing. Allele origin: germline.

Genome-Nilou Lab
Classification: Uncertain significance for Neurofibromatosis, type 1. Last evaluated: 2022-03-15. Review status: criteria provided, single submitter. Criteria: ACMG Guidelines, 2015. Collection method: clinical testing. Allele origin: germline. Affected: no.

Literature cited by the submitters: PubMed 26740943 (cited by Labcorp Genetics (formerly Invitae), Labcorp).

NM_001042492.3(NF1):c.4444A>G (p.Ile1482Val)

Gene: NF1 (neurofibromin 1; plus strand). Cytogenetic location: 17q11.2.
Variant type: single nucleotide variant.
Coding change: c.4444A>G on transcript NM_001042492.3 (MANE Select); coding-DNA position 4444, A replaced by G.
Protein change: p.Ile1482Val; replaces isoleucine 1482 with valine.
Molecular consequence: missense variant.
Genome position (GRCh38, 1-based): chr17:31,260,382, A>G. VCF-style: chr17-31260382-A-G. GRCh37 (hg19) VCF-style: chr17-29587400-A-G.
Other names: c.4381A>G, p.Ile1461Val (NM_000267.4); short protein forms I1482V, I1461V.
Identifiers: ClinVar variation 404580 (VCV000404580.11), dbSNP rs1060500362, ClinGen allele CA16615223.